The following is an entry in ClinVar:

ClinVar aggregate classification (germline): Uncertain significance (1 of 4 stars; one submission).

Conditions:
PTPRT-related disorder. Also called: PTPRT-related condition.

gnomAD v4.1: 1 of 1,614,020 alleles (0.000062%); highest among the groups gnomAD compares: Non-Finnish European, 0.000085%; no homozygotes.

Submission:

PreventionGenetics, part of Exact Sciences
Classification: Uncertain significance for PTPRT-related condition. Last evaluated: 2023-03-24. Review status: criteria provided, single submitter. Criteria: ACMG Guidelines, 2015. Collection method: clinical testing. Allele origin: germline.
Comment: The PTPRT c.2260G>A variant is predicted to result in the amino acid substitution p.Val754Met. To our knowledge, this variant has not been reported in the literature or in a large population database, indicating this variant is rare. At this time, the clinical significance of this variant is uncertain due to the absence of conclusive functional and genetic evidence.

NM_007050.6(PTPRT):c.2203G>A (p.Val735Met)

Gene: PTPRT (protein tyrosine phosphatase receptor type T; minus strand). Cytogenetic location: 20q12.
Variant type: single nucleotide variant.
Coding change: c.2203G>A on transcript NM_007050.6 (MANE Select); coding-DNA position 2203, G replaced by A.
Protein change: p.Val735Met; replaces valine 735 with methionine.
Molecular consequence: missense variant.
Genome position (GRCh38, 1-based): chr20:42,248,796, C>T on the plus strand (G>A on the coding strand, the complement: PTPRT is on the minus strand). VCF-style: chr20-42248796-C-T. GRCh37 (hg19) VCF-style: chr20-40877436-C-T.
Other names: c.2203G>A, p.Val735Met (NM_001394024.1, NM_001394026.1); c.2260G>A, p.Val754Met (NM_001394025.1, NM_133170.4); short protein forms V735M, V754M.
Identifiers: ClinVar variation 2633669 (VCV002633669.1), dbSNP rs758176792, ClinGen allele CA409356614.